The following is an entry in ClinVar:

NM_001378454.1(ALMS1):c.10527T>G (p.His3509Gln)

Gene: ALMS1 (ALMS1 centrosome and basal body associated protein; plus strand). Cytogenetic location: 2p13.1.
Variant type: single nucleotide variant.
Coding change: c.10527T>G on transcript NM_001378454.1 (MANE Select); coding-DNA position 10527, T replaced by G.
Protein change: p.His3509Gln; replaces histidine 3509 with glutamine.
Molecular consequence: missense variant.
Genome position (GRCh38, 1-based): chr2:73,572,404, T>G. VCF-style: chr2-73572404-T-G. GRCh37 (hg19) VCF-style: chr2-73799531-T-G.
Other names: c.10530T>G, p.His3510Gln (NM_015120.4); short protein forms H3509Q, H3510Q.
Identifiers: ClinVar variation 1404528 (VCV001404528.5), dbSNP rs1332733899, ClinGen allele CA347283417.

ClinVar aggregate classification (germline): Uncertain significance (1 of 4 stars; one submission).

Conditions:
Alstrom syndrome (ALMS). Identifiers: Orphanet 64, MedGen C0268425, MONDO:0008763, OMIM 203800.

Allele frequency attached by ClinVar (database versions not stated): gnomAD 0.00001; TOPMed 0.00001; gnomAD exomes 0.00002.
gnomAD v4.1: 5 of 1,611,624 alleles (0.00031%); highest among the groups gnomAD compares: Admixed American, 0.0084%; no homozygotes.

Submission:

Labcorp Genetics (formerly Invitae), Labcorp
Classification: Uncertain significance for Alstrom syndrome. Last evaluated: 2025-01-27. Review status: criteria provided, single submitter. Criteria: Invitae Variant Classification Sherloc (09022015). Collection method: clinical testing. Allele origin: germline.
Comment: This sequence change replaces histidine, which is basic and polar, with glutamine, which is neutral and polar, at codon 3510 of the ALMS1 protein (p.His3510Gln). This variant is present in population databases (no rsID available, gnomAD 0.01%). This variant has not been reported in the literature in individuals affected with ALMS1-related conditions. ClinVar contains an entry for this variant (Variation ID: 1404528). Experimental studies and prediction algorithms are not available or were not evaluated, and the functional significance of this variant is currently unknown. In summary, the available evidence is currently insufficient to determine the role of this variant in disease. Therefore, it has been classified as a Variant of Uncertain Significance.